The following is an entry in ClinVar:

NM_000371.4(TTR):c.368G>A (p.Arg123His)

Gene: TTR (transthyretin; plus strand). Cytogenetic location: 18q12.1.
Variant type: single nucleotide variant.
Coding change: c.368G>A on transcript NM_000371.4 (MANE Select); coding-DNA position 368, G replaced by A.
Protein change: p.Arg123His; replaces arginine 123 with histidine.
Molecular consequence: missense variant.
Genome position (GRCh38, 1-based): chr18:31,598,599, G>A. VCF-style: chr18-31598599-G-A. GRCh37 (hg19) VCF-style: chr18-29178562-G-A.
Other names: p.R123H:CGC>CAC; p.Arg123His; short protein forms R123H.
Identifiers: ClinVar variation 181698 (VCV000181698.49), dbSNP rs148538950, ClinGen allele CA297529.

ClinVar aggregate classification (germline): Conflicting classifications of pathogenicity. Review status: criteria provided, conflicting classifications (1 of 4 stars). 16 submissions from 16 submitters: Uncertain significance (13); Likely benign (1). 2 of the submissions do not count toward it. Last evaluated 2026-06-29.

Conditions:
Hyperthyroxinemia, dystransthyretinemic. Also called: HYPERTHYROXINEMIA, DYSPREALBUMINEMIC; EUTHRYROIDAL HYPERTHYROXINEMIA 2. Identifiers: MedGen C2750824, MONDO:0007785, OMIM 145680.
Carpal tunnel syndrome 1 (CTS1). Also called: Carpal tunnel syndrome, familial. Identifiers: MedGen C5779776, MONDO:0020730, OMIM 115430.
Amyloidosis, hereditary systemic 1 (AMYLD1). Also called: Isolated Cardiac Amyloidosis; Amyloid Cardiomyopathy, Transthyretin-related; Hereditary oculoleptomeningeal amyloid angiopathy; Familial Transthyretin Amyloidosis; AMYLOID CARDIOMYOPATHY; Hereditary Transthyretin Amyloidosis. Identifiers: Orphanet 85447, Orphanet 85451, MedGen C2751492, MONDO:0971004, OMIM 105210.
TTR-related disorder. Also called: TTR-related disorders; TTR-related condition.
Charcot-Marie-Tooth disease. Also called: Charcot-Marie-Tooth Hereditary Neuropathy; Charcot-Marie-Tooth Neuropathy. Identifiers: Orphanet 166, MedGen C0007959, MONDO:0015626.
Cardiovascular phenotype. Identifiers: MedGen CN230736.
Cardiomyopathy (CMYO). Also called: Cardiomyopathies. Identifiers: Orphanet 167848, MedGen C0878544, MONDO:0004994, HP:0001638. Inheritance: Various modes of inheritance.
Primary familial hypertrophic cardiomyopathy (HCM). Identifiers: Orphanet 99739, MedGen C0949658, MeSH D024741, MONDO:0024573. Inheritance: Various modes of inheritance.

Allele frequency attached by ClinVar (database versions not stated): gnomAD exomes 0.00002 and 0.00004; ExAC 0.00004; gnomAD 0.00019; ESP Exome Variant Server 0.00023; TOPMed 0.00029.

Submissions (16):

Women's Health and Genetics/Laboratory Corporation of America, LabCorp
Classification: Uncertain significance. Last evaluated: 2026-06-29. Review status: criteria provided, single submitter. Criteria: LabCorp Variant Classification Summary - May 2015. Collection method: clinical testing. Allele origin: germline.
Comment: Variant summary: TTR c.368G>A (p.Arg123His) results in a non-conservative amino acid change located in the TLP_Transthyretin of the encoded protein sequence. Algorithms developed to predict the effect of missense changes on protein structure and function all suggest that this variant is likely to be disruptive. The variant allele was found at a frequency of 3.6e-05 in 251362 control chromosomes. The available data on variant occurrences in the general population are insufficient to allow any conclusion about variant significance. c.368G>A has been observed in an individual affected with TTR-related conditions without strong evidence for causality (Damy_2016). These report(s) do not provide unequivocal conclusions about association of the variant with disease. To our knowledge, no experimental evidence demonstrating an impact on protein function has been reported. The following publications have been ascertained in the context of this evaluation (PMID: 26537620, 30683924). ClinVar contains an entry for this variant (Variation ID: 181698). Based on the evidence outlined above, the variant was classified as uncertain significance.

PreventionGenetics, part of Exact Sciences
Classification: Uncertain significance for TTR-related condition. Last evaluated: 2026-05-08. Review status: criteria provided, single submitter. Criteria: ACMG Guidelines, 2015. Collection method: clinical testing. Allele origin: germline.
Comment: The TTR c.368G>A variant is predicted to result in the amino acid substitution p.Arg123His. This variant is reported in 0.064% of alleles in individuals of African descent in gnomAD, and it is classified as uncertain in ClinVar (Variation ID: 181698). At this time, the clinical significance of this variant is uncertain due to the absence of conclusive functional and genetic evidence.

Labcorp Genetics (formerly Invitae), Labcorp
Classification: Uncertain significance for Amyloidosis, hereditary systemic 1. Last evaluated: 2026-01-28. Review status: criteria provided, single submitter. Criteria: Invitae Variant Classification Sherloc (09022015). Collection method: clinical testing. Allele origin: germline.
Comment: This sequence change replaces arginine, which is basic and polar, with histidine, which is basic and polar, at codon 123 of the TTR protein (p.Arg123His). This variant is present in population databases (rs148538950, gnomAD 0.07%), and has an allele count higher than expected for a pathogenic variant. This missense change has been observed in individual(s) with hypertrophic cardiomyopathy (PMID: 26537620, 31554435, 37313193). ClinVar contains an entry for this variant (Variation ID: 181698). Invitae Evidence Modeling of protein sequence and biophysical properties (such as structural, functional, and spatial information, amino acid conservation, physicochemical variation, residue mobility, and thermodynamic stability) indicates that this missense variant is expected to disrupt TTR protein function with a positive predictive value of 95%. In summary, the available evidence is currently insufficient to determine the role of this variant in disease. Therefore, it has been classified as a Variant of Uncertain Significance.

Ambry Genetics
Classification: Uncertain significance for Cardiovascular phenotype. Last evaluated: 2025-03-07. Review status: criteria provided, single submitter. Criteria: Ambry Variant Classification Scheme 2023. Collection method: clinical testing. Allele origin: germline.
Comment: The p.R123H variant (also known as c.368G>A), located in coding exon 4 of the TTR gene, results from a G to A substitution at nucleotide position 368. The arginine at codon 123 is replaced by histidine, an amino acid with highly similar properties. This variant was identified in an individual with hypertrophic cardiomyopathy (HCM), hypertension, and neuropathy; extra-cardiac biopsies were negative for amyloid deposition, and bone scintigraphy was negative (Damy T et al. Eur. Heart J., 2016 06;37:1826-34). This variant was also detected in an additional individual with HCM, no extra-cardiac findings, and negative bone scintigraphy (Lopes LR et al. Amyloid. 2019 Dec;26(4):243-247). This amino acid position is highly conserved in available vertebrate species. In addition, this alteration is predicted to be deleterious by in silico analysis. Since supporting evidence is limited at this time, the clinical significance of this alteration remains unclear.

GeneDx
Classification: Uncertain significance. Last evaluated: 2024-11-12. Review status: criteria provided, single submitter. Criteria: GeneDx Variant Classification Process June 2021. Collection method: clinical testing. Allele origin: germline. Affected: yes.
Comment: In silico analysis indicates that this missense variant does not alter protein structure/function; Reported in unrelated individuals with HCM who had no evidence of cardiac amyloidosis upon further evaluation (PMID: 26537620, 31554435); This variant is associated with the following publications: (PMID: 30683924, 31554435, 34380564, 33057194, 35982159, 26537620)

Mayo Clinic Laboratories, Mayo Clinic
Classification: Uncertain significance. Last evaluated: 2024-05-08. Review status: criteria provided, single submitter. Criteria: ACMG Guidelines, 2015. Collection method: clinical testing. Allele origin: germline. Observed: 1 variant allele.

Fulgent Genetics
Classification: Uncertain significance for Amyloidosis, hereditary systemic 1; Carpal tunnel syndrome 1; Hyperthyroxinemia, dystransthyretinemic. Last evaluated: 2024-04-22. Review status: criteria provided, single submitter. Criteria: ACMG Guidelines, 2015. Collection method: clinical testing. Allele origin: germline.

Blueprint Genetics
Classification: Likely benign. Last evaluated: 2022-09-16. Review status: criteria provided, single submitter. Criteria: ACMG Guidelines, 2015. Collection method: clinical testing. Allele origin: germline.

CHEO Genetics Diagnostic Laboratory, Children's Hospital of Eastern Ontario
Classification: Uncertain significance for Cardiomyopathy. Last evaluated: 2022-06-01. Review status: criteria provided, single submitter. Criteria: ACMG Guidelines, 2015. Collection method: clinical testing. Allele origin: germline.

MGZ Medical Genetics Center
Classification: Uncertain significance for Amyloidosis, hereditary systemic 1. Last evaluated: 2022-01-05. Review status: criteria provided, single submitter. Criteria: ACMG Guidelines, 2015. Collection method: clinical testing. Allele origin: germline. Affected: yes. Observed: 1 variant allele.
Comment: ACMG criteria applied: PM1, PP2, PP3

Genetic Services Laboratory, University of Chicago
Classification: Uncertain significance. Last evaluated: 2021-11-24. Review status: criteria provided, single submitter. Criteria: ACMG Guidelines, 2015. Collection method: clinical testing. Allele origin: germline. Affected: no.
Comment: This sequence change has been previously described in individuals with hypertrophic cardiomyopathy without amyloidosis phenotype (PMIDs: 26537620, 31554435). This sequence change has been described in the gnomAD database with a frequency of 0.064% in the African subpopulation (dbSNP rs148538950). The p.Arg123His change affects a highly conserved amino acid residue located in a domain of the TTR protein that is known to be functional. In-silico pathogenicity prediction tools (SIFT, PolyPhen2, Align GVGD, REVEL) provide contradictory results for the p.Arg123His substitution. Due to insufficient evidence and the lack of functional studies, the clinical significance of the p.Arg123His change remains unknown at this time.

Illumina Laboratory Services, Illumina
Classification: Uncertain significance for Amyloidosis, hereditary systemic 1. Last evaluated: 2017-04-28. Review status: criteria provided, single submitter. Criteria: ICSL Variant Classification Criteria 13 December 2019. Collection method: clinical testing. Allele origin: germline.

Molecular Diagnostic Laboratory for Inherited Cardiovascular Disease, Montreal Heart Institute
Classification: Uncertain significance for Primary familial hypertrophic cardiomyopathy. Review status: criteria provided, single submitter. Criteria: ACMG Guidelines, 2015. Collection method: clinical testing. Allele origin: germline. Affected: yes.

Molecular Genetics Laboratory, London Health Sciences Centre
Classification: Uncertain significance for Charcot-Marie-Tooth disease. Review status: criteria provided, single submitter. Criteria: ACMG Guidelines, 2015. Collection method: clinical testing. Allele origin: germline. Affected: yes.

Clinical Genetics DNA and cytogenetics Diagnostics Lab, Erasmus MC, Erasmus Medical Center
Classification: Uncertain significance. Review status: no assertion criteria provided. Collection method: clinical testing. Allele origin: germline. Affected: yes. Study: VKGL Data-share Consensus. Not counted in ClinVar's aggregate classification.

Joint Genome Diagnostic Labs from Nijmegen and Maastricht, Radboudumc and MUMC+
Classification: Uncertain significance. Review status: no assertion criteria provided. Collection method: clinical testing. Allele origin: germline. Affected: yes. Study: VKGL Data-share Consensus. Not counted in ClinVar's aggregate classification.

Literature cited by the submitters: PubMed 30683924 (cited by 3 submitters); PubMed 26537620 (cited by 4 submitters); PubMed 31554435 (cited by 3 submitters); PubMed 37313193 (cited by Labcorp Genetics (formerly Invitae), Labcorp and Mayo Clinic Laboratories, Mayo Clinic); PubMed 34380564 (cited by Mayo Clinic Laboratories, Mayo Clinic).